The following is an entry in ClinVar:

NM_022369.4(STRA6):c.1222C>G (p.Arg408Gly)

Gene: STRA6 (signaling receptor and transporter of retinol STRA6; minus strand). Cytogenetic location: 15q24.1.
Variant type: single nucleotide variant.
Coding change: c.1222C>G on transcript NM_022369.4 (MANE Select); coding-DNA position 1222, C replaced by G.
Protein change: p.Arg408Gly; replaces arginine 408 with glycine.
Molecular consequence: missense variant.
Genome position (GRCh38, 1-based): chr15:74,183,934, G>C on the plus strand (C>G on the coding strand, the complement: STRA6 is on the minus strand). VCF-style: chr15-74183934-G-C. GRCh37 (hg19) VCF-style: chr15-74476275-G-C.
Other names: c.1222C>G, p.Arg408Gly (NM_001142617.2, NM_001142618.2); c.1195C>G, p.Arg399Gly (NM_001142619.2); c.1333C>G, p.Arg445Gly (NM_001199040.2); c.1267C>G, p.Arg423Gly (NM_001199041.2); c.1339C>G, p.Arg447Gly (NM_001199042.2); short protein forms R399G, R408G, R423G, R445G, R447G.
Identifiers: ClinVar variation 2632933 (VCV002632933.2), dbSNP rs763093971, ClinGen allele CA393133722.
Genomic context (GRCh38, chr15:74,183,934, plus strand): 5'-TCTGGTAGGCACTGAAGCTCATCCAACAGAATATGGCTTGGCGGGAGGGATGGGGACTCC[G>C]ATGCAAGGGACTCAAGTCCAGGGCAGCTCCTCGGTGCAGAGCTCGAAGGTTGGTCCTGGG-3'
Protein context (NP_071764.3, residues 398-418): GAALDLSPLH[Arg408Gly]SPHPSRQAIF

ClinVar aggregate classification (germline): Uncertain significance. Review status: criteria provided, multiple submitters, no conflicts (2 of 4 stars). 2 submissions from 2 submitters: Uncertain significance (2). Last evaluated 2023-07-10.

Conditions:
STRA6-related disorder. Also called: STRA6-related condition.

gnomAD v4.1: 8 of 1,613,754 alleles (0.0005%); highest among the groups gnomAD compares: Admixed American, 0.0067%; no homozygotes.

Submissions (2):

PreventionGenetics, part of Exact Sciences
Classification: Uncertain significance for STRA6-related condition. Last evaluated: 2023-07-10. Review status: criteria provided, single submitter. Criteria: ACMG Guidelines, 2015. Collection method: clinical testing. Allele origin: germline.
Comment: The STRA6 c.1222C>G variant is predicted to result in the amino acid substitution p.Arg408Gly. To our knowledge, this variant has not been reported in the literature. This variant is reported in 0.0029% of alleles in individuals of Latino descent in gnomAD. At this time, the clinical significance of this variant is uncertain due to the absence of conclusive functional and genetic evidence.

Blueprint Genetics
Classification: Uncertain significance. Last evaluated: 2023-04-25. Review status: criteria provided, single submitter. Criteria: ACMG Guidelines, 2015. Collection method: clinical testing. Allele origin: germline.